The following is an entry in ClinVar:

ClinVar aggregate classification (germline): Pathogenic (1 of 4 stars; one submission).

Submission:

Labcorp Genetics (formerly Invitae), Labcorp
Classification: Pathogenic. Last evaluated: 2022-01-11. Review status: criteria provided, single submitter. Criteria: Invitae Variant Classification Sherloc (09022015). Collection method: clinical testing. Allele origin: germline.
Comment: This sequence change creates a premature translational stop signal (p.Lys465*) in the GFM1 gene. It is expected to result in an absent or disrupted protein product. Loss-of-function variants in GFM1 are known to be pathogenic (PMID: 16632485, 17160893). This variant is not present in population databases (gnomAD no frequency). This variant has not been reported in the literature in individuals affected with GFM1-related conditions. For these reasons, this variant has been classified as Pathogenic.

Literature cited by the submitters: PubMed 16632485; PubMed 17160893.

NM_024996.7(GFM1):c.1393A>T (p.Lys465Ter)

Gene: GFM1 (G elongation factor mitochondrial 1; plus strand). Cytogenetic location: 3q25.32.
Variant type: single nucleotide variant.
Coding change: c.1393A>T on transcript NM_024996.7 (MANE Select); coding-DNA position 1393, A replaced by T.
Protein change: p.Lys465Ter; replaces lysine 465 with a stop codon.
Molecular consequence: nonsense. On other transcripts: non-coding transcript variant (4).
Genome position (GRCh38, 1-based): chr3:158,665,349, A>T. VCF-style: chr3-158665349-A-T. GRCh37 (hg19) VCF-style: chr3-158383138-A-T.
Other names: c.1450A>T, p.Lys484Ter (NM_001308164.2); c.1393A>T, p.Lys465Ter (NM_001308166.2); c.1312A>T, p.Lys438Ter (NM_001374355.1); c.1276A>T, p.Lys426Ter (NM_001374356.1); c.1168A>T, p.Lys390Ter (NM_001374357.1); c.934A>T, p.Lys312Ter (NM_001374358.1); c.826A>T, p.Lys276Ter (NM_001374359.1, NM_001374360.1); c.709A>T, p.Lys237Ter (NM_001374361.1); short protein forms K438*, K484*, K390*, K276*, K312*, K465*, K237*, K426*.
Identifiers: ClinVar variation 1950634 (VCV001950634.5), dbSNP rs1317528532, ClinGen allele CA355178195.